The following is an entry in ClinVar:

NM_022765.4(MICAL1):c.1171G>C (p.Val391Leu)

Gene: MICAL1 (microtubule associated monooxygenase, calponin and LIM domain containing 1; minus strand). Cytogenetic location: 6q21.
Variant type: single nucleotide variant.
Coding change: c.1171G>C on transcript NM_022765.4 (MANE Select); coding-DNA position 1171, G replaced by C.
Protein change: p.Val391Leu; replaces valine 391 with leucine.
Molecular consequence: missense variant. On other transcripts: intron variant (1).
Genome position (GRCh38, 1-based): chr6:109,450,320, C>G on the plus strand (G>C on the coding strand, the complement: MICAL1 is on the minus strand). VCF-style: chr6-109450320-C-G. GRCh37 (hg19) VCF-style: chr6-109771523-C-G.
Other names: c.1228G>C, p.Val410Leu (NM_001286613.2); c.934-235G>C (NM_001159291.2); short protein forms V391L, V410L.
Identifiers: ClinVar variation 1366599 (VCV001366599.8), dbSNP rs754545228, ClinGen allele CA365230771.
Genomic context (GRCh38, chr6:109,450,320, plus strand): 5'-CCCCTAACCATGAAACCCCTGTGCCTCCTGAACCCCTCACCTCCACCAGGCAGTCCCCCA[C>G]CAGTCCCAGCAGCAGGCGGGCGCCATGCTTCTCTTGCACACGAGCAGAACTCTCTGCCCG-3'
Protein context (NP_073602.3, residues 381-401): KHGARLLLGL[Val391Leu]GDCLVEPFWP

ClinVar aggregate classification (germline): Uncertain significance (1 of 4 stars; one submission).

Allele frequency attached by ClinVar (database versions not stated): gnomAD exomes below 0.00001.
gnomAD v4.1: 2 of 1,608,352 alleles (0.00012%); highest among the groups gnomAD compares: Non-Finnish European, 0.000085%; no homozygotes.

Submission:

Labcorp Genetics (formerly Invitae), Labcorp
Classification: Uncertain significance. Last evaluated: 2021-07-10. Review status: criteria provided, single submitter. Criteria: Invitae Variant Classification Sherloc (09022015). Collection method: clinical testing. Allele origin: germline.
Comment: In summary, the available evidence is currently insufficient to determine the role of this variant in disease. Therefore, it has been classified as a Variant of Uncertain Significance. Algorithms developed to predict the effect of missense changes on protein structure and function are either unavailable or do not agree on the potential impact of this missense change (SIFT: "Deleterious"; PolyPhen-2: "Probably Damaging"; Align-GVGD: "Class C0"). This variant has not been reported in the literature in individuals affected with MICAL1-related conditions. This variant is not present in population databases (ExAC no frequency). This sequence change replaces valine with leucine at codon 410 of the MICAL1 protein (p.Val410Leu). The valine residue is highly conserved and there is a small physicochemical difference between valine and leucine.